The following is an entry in ClinVar:

ClinVar aggregate classification (germline): Uncertain significance. Review status: criteria provided, multiple submitters, no conflicts (2 of 4 stars). 2 submissions from 2 submitters: Uncertain significance (2). Last evaluated 2025-03-19.

Conditions:
Familial acute necrotizing encephalopathy (IIAE3). Also called: ENCEPHALOPATHY, ACUTE, INFECTION-INDUCED, SUSCEPTIBILITY TO, 3; Susceptibility to Acute Necrotizing Encephalopathy 1. Identifiers: Orphanet 88619, MedGen C2675556, MONDO:0011953, OMIM 608033.

Allele frequency attached by ClinVar (database versions not stated): gnomAD exomes 0.00002 and 0.00004; TOPMed 0.00002; gnomAD 0.00003; ExAC 0.00006.
gnomAD v4.1: 65 of 1,612,082 alleles (0.004%); highest among the groups gnomAD compares: Non-Finnish European, 0.0046%; no homozygotes.

Submissions (2):

Ambry Genetics
Classification: Uncertain significance. Last evaluated: 2025-03-19. Review status: criteria provided, single submitter. Criteria: Ambry Variant Classification Scheme 2023. Collection method: clinical testing. Allele origin: germline.

Labcorp Genetics (formerly Invitae), Labcorp
Classification: Uncertain significance for Familial acute necrotizing encephalopathy. Last evaluated: 2020-02-10. Review status: criteria provided, single submitter. Criteria: Invitae Variant Classification Sherloc (09022015). Collection method: clinical testing. Allele origin: germline.
Comment: This sequence change replaces lysine with glutamic acid at codon 1911 of the RANBP2 protein (p.Lys1911Glu). The lysine residue is highly conserved and there is a small physicochemical difference between lysine and glutamic acid. The frequency data for this variant in the population databases is considered unreliable, as metrics indicate poor data quality at this position in the ExAC database. This variant has not been reported in the literature in individuals with RANBP2-related conditions. Algorithms developed to predict the effect of missense changes on protein structure and function (SIFT, PolyPhen-2, Align-GVGD) all suggest that this variant is likely to be tolerated, but these predictions have not been confirmed by published functional studies and their clinical significance is uncertain. In summary, the available evidence is currently insufficient to determine the role of this variant in disease. Therefore, it has been classified as a Variant of Uncertain Significance.

NM_006267.5(RANBP2):c.5731A>G (p.Lys1911Glu)

Gene: RANBP2 (RAN binding protein 2; plus strand). Cytogenetic location: 2q13.
Variant type: single nucleotide variant.
Coding change: c.5731A>G on transcript NM_006267.5 (MANE Select); coding-DNA position 5731, A replaced by G.
Protein change: p.Lys1911Glu; replaces lysine 1911 with glutamic acid.
Molecular consequence: missense variant.
Genome position (GRCh38, 1-based): chr2:108,766,270, A>G. VCF-style: chr2-108766270-A-G. GRCh37 (hg19) VCF-style: chr2-109382726-A-G.
Other names: c.5731A>G (NM_006267.4); short protein forms K1911E.
Identifiers: ClinVar variation 1052849 (VCV001052849.11), dbSNP rs762492477, ClinGen allele CA1823327.